The following is an entry in ClinVar:

NM_004385.5(VCAN):c.8614A>G (p.Ile2872Val)

Genes: VCAN (versican; plus strand), VCAN-AS1 (VCAN antisense RNA 1; minus strand). Cytogenetic location: 5q14.3.
Variant type: single nucleotide variant.
Coding change: c.8614A>G on transcript NM_004385.5 (MANE Select); coding-DNA position 8614, A replaced by G.
Protein change: p.Ile2872Val; replaces isoleucine 2872 with valine.
Molecular consequence: missense variant. On other transcripts: intron variant (2).
Genome position (GRCh38, 1-based): chr5:83,541,617, A>G. VCF-style: chr5-83541617-A-G. GRCh37 (hg19) VCF-style: chr5-82837436-A-G.
Other names: c.5653A>G, p.Ile1885Val (NM_001164097.2); c.4004-3920A>G (NM_001164098.2); c.1043-3920A>G (NM_001126336.3); short protein forms I2872V, I1885V.
Identifiers: ClinVar variation 1941147 (VCV001941147.5), dbSNP rs976173578, ClinGen allele CA121776823.
Genomic context (GRCh38, chr5:83,541,617, plus strand): 5'-ATAGACGTCGGCTCATCTGTAATGTCCCCACAGGATTCTTTTAAGGAAATTCATGTAAAT[A>G]TTGAAGCGACTTTCAAACCATCAAGTGAGGAATACCTTCACATAACTGAGCCTCCCTCTT-3'
Protein context (NP_004376.2, residues 2862-2882): QDSFKEIHVN[Ile2872Val]EATFKPSSEE

ClinVar aggregate classification (germline): Uncertain significance (1 of 4 stars; one submission).

Submission:

Labcorp Genetics (formerly Invitae), Labcorp
Classification: Uncertain significance. Last evaluated: 2022-07-31. Review status: criteria provided, single submitter. Criteria: Invitae Variant Classification Sherloc (09022015). Collection method: clinical testing. Allele origin: germline.
Comment: In summary, the available evidence is currently insufficient to determine the role of this variant in disease. Therefore, it has been classified as a Variant of Uncertain Significance. Algorithms developed to predict the effect of missense changes on protein structure and function output the following: SIFT: "Tolerated"; PolyPhen-2: "Benign"; Align-GVGD: "Class C0". The valine amino acid residue is found in multiple mammalian species, which suggests that this missense change does not adversely affect protein function. This sequence change replaces isoleucine, which is neutral and non-polar, with valine, which is neutral and non-polar, at codon 2872 of the VCAN protein (p.Ile2872Val). This variant is not present in population databases (gnomAD no frequency). This variant has not been reported in the literature in individuals affected with VCAN-related conditions.